The following is an entry in ClinVar:

ClinVar aggregate classification (germline): Benign/Likely benign. Review status: criteria provided, multiple submitters, no conflicts (2 of 4 stars). 4 submissions from 4 submitters: Benign (1); Likely benign (2). 1 of the submissions does not count toward it. Last evaluated 2025-12-20.

Conditions:
BCL11B-related disorder. Also called: BCL11B-Related Disorders.

Allele frequency attached by ClinVar (database versions not stated): gnomAD exomes 0.00028; gnomAD 0.00155 and 0.00163; ExAC 0.00214; 1000 Genomes Project 30x 0.00297; 1000 Genomes Project 0.00399.
gnomAD v4.1: 411 of 1,323,914 alleles (0.031%); highest among the groups gnomAD compares: African/African-American, 0.59%; no homozygotes.

Submissions (4):

Labcorp Genetics (formerly Invitae), Labcorp
Classification: Benign. Last evaluated: 2025-12-20. Review status: criteria provided, single submitter. Criteria: Invitae Variant Classification Sherloc (09022015). Collection method: clinical testing. Allele origin: germline.

Blueprint Genetics
Classification: Likely benign. Last evaluated: 2024-11-27. Review status: criteria provided, single submitter. Criteria: ACMG Guidelines, 2015. Collection method: clinical testing. Allele origin: germline.

CeGaT Center for Human Genetics Tuebingen
Classification: Likely benign. Last evaluated: 2021-07-01. Review status: criteria provided, single submitter. Criteria: CeGaT Center For Human Genetics Tuebingen Variant Classification Criteria Version 2. Collection method: clinical testing. Allele origin: germline. Affected: yes. Observed: 1 variant allele.

PreventionGenetics, part of Exact Sciences
Classification: Benign for BCL11B-related condition. Last evaluated: 2019-05-23. Review status: no assertion criteria provided. Collection method: clinical testing. Allele origin: germline. Not counted in ClinVar's aggregate classification.
Comment: This variant is classified as benign based on ACMG/AMP sequence variant interpretation guidelines (Richards et al. 2015 PMID: 25741868, with internal and published modifications).

NM_138576.4(BCL11B):c.1905C>T (p.Asp635=)

Gene: BCL11B (BCL11 transcription factor B; minus strand). Cytogenetic location: 14q32.2.
Variant type: single nucleotide variant.
Coding change: c.1905C>T on transcript NM_138576.4 (MANE Select); coding-DNA position 1905, C replaced by T.
Protein change: p.Asp635=; no amino-acid change (aspartic acid 635 retained).
Molecular consequence: synonymous variant.
Genome position (GRCh38, 1-based): chr14:99,174,931, G>A on the plus strand (C>T on the coding strand, the complement: BCL11B is on the minus strand). VCF-style: chr14-99174931-G-A. GRCh37 (hg19) VCF-style: chr14-99641268-G-A.
Other names: c.1692C>T (NM_022898.2); c.1902C>T, p.Asp634= (NM_001282237.2); c.1689C>T, p.Asp563= (NM_001282238.2); c.1692C>T, p.Asp564= (NM_022898.3).
Identifiers: ClinVar variation 1167222 (VCV001167222.45), dbSNP rs561461377, ClinGen allele CA7339580.
Genomic context (GRCh38, chr14:99,174,931, plus strand): 5'-CCCGCGCCCGTTGACCGCGCCGCCCGCGCCCGCGTCCCCGCAGCCGCCCGCGTCGTCGTC[G>A]TCGCCCGCGTCCCCGCCGCCCGCCGCACGCTTCAGGAAGGCGCCGCGCTTCTGCTTGTCG-3'
Protein context (NP_612808.1, residues 625-645): KRAAGGGDAG[Asp635=]DDDAGGCGDA